The following is an entry in ClinVar:

NM_020338.4(ZMIZ1):c.1720_1722del (p.Leu574del)

Gene: ZMIZ1 (zinc finger MIZ-type containing 1; plus strand). Cytogenetic location: 10q22.3.
Variant type: Deletion.
Coding change: c.1720_1722del on transcript NM_020338.4 (MANE Select); coding-DNA positions 1720 to 1722, 3 bases deleted (CTG; older notation c.1720_1722delCTG).
Protein change: p.Leu574del; deletes leucine 574.
Molecular consequence: inframe deletion.
Genome position (GRCh38, 1-based): chr10:79,299,103-79,299,105, CTG deleted; deleting any 3 consecutive bases within chr10:79,299,101-79,299,105 gives the same sequence; the c. name uses the placement nearest the transcript's 3' end. VCF-style (leftmost placement, unchanged base first): chr10-79299100-GTGC-G. GRCh37 (hg19) VCF-style: chr10-81058857-GTGC-G.
Other names: short protein forms L574del.
Identifiers: ClinVar variation 4076852 (VCV004076852.1).

ClinVar aggregate classification (germline): Uncertain significance (1 of 4 stars; one submission).

Submission:

GeneDx
Classification: Uncertain significance. Last evaluated: 2025-02-19. Review status: criteria provided, single submitter. Criteria: GeneDx Variant Classification Process June 2021. Collection method: clinical testing. Allele origin: germline. Affected: yes.
Comment: Not observed at significant frequency in large population cohorts (gnomAD); In-frame deletion of 1 amino acid in a non-repeat region; In silico analysis supports a deleterious effect on protein structure/function; Has not been previously published as pathogenic or benign to our knowledge